The following is an entry in ClinVar:

ClinVar aggregate classification (germline): Uncertain significance (1 of 4 stars; one submission).

Allele frequency attached by ClinVar (database versions not stated): TOPMed below 0.00001.

Submission:

Ambry Genetics
Classification: Uncertain significance. Last evaluated: 2023-03-15. Review status: criteria provided, single submitter. Criteria: Ambry Variant Classification Scheme 2023. Collection method: clinical testing. Allele origin: germline.
Comment: The p.S517G variant (also known as c.1549A>G), located in coding exon 10 of the POLQ gene, results from an A to G substitution at nucleotide position 1549. The serine at codon 517 is replaced by glycine, an amino acid with similar properties. This amino acid position is conserved. In addition, the in silico prediction for this alteration is inconclusive. Since supporting evidence is limited at this time, the clinical significance of this alteration remains unclear.

NM_199420.4(POLQ):c.1549A>G (p.Ser517Gly)

Gene: POLQ (DNA polymerase theta; minus strand). Cytogenetic location: 3q13.33.
Variant type: single nucleotide variant.
Coding change: c.1549A>G on transcript NM_199420.4 (MANE Select); coding-DNA position 1549, A replaced by G.
Protein change: p.Ser517Gly; replaces serine 517 with glycine.
Molecular consequence: missense variant.
Genome position (GRCh38, 1-based): chr3:121,511,949, T>C on the plus strand (A>G on the coding strand, the complement: POLQ is on the minus strand). VCF-style: chr3-121511949-T-C. GRCh37 (hg19) VCF-style: chr3-121230796-T-C.
Other names: short protein forms S517G.
Identifiers: ClinVar variation 2561752 (VCV002561752.2), dbSNP rs2048258689, ClinGen allele CA354116145.